The following is an entry in ClinVar:

ClinVar aggregate classification (germline): Conflicting classifications of pathogenicity. Review status: criteria provided, conflicting classifications (1 of 4 stars). 8 submissions from 5 submitters: Uncertain significance (2); Benign (2); Likely benign (3). 1 of the submissions does not count toward it. Last evaluated 2026-01-01.

Conditions:
Autosomal recessive cerebellar ataxia. Also called: Spinocerebellar ataxia, autosomal recessive; Spinocerebellar Ataxia, Recessive. Identifiers: Orphanet 1172, MedGen C5575375, MONDO:0015244.
TWNK-related disorder. Also called: TWNK-related condition.
Infantile onset spinocerebellar ataxia (MTDPS7). Also called: Mitochondrial DNA depletion syndrome 7 (hepatocerebral type); OPHTHALMOPLEGIA, HYPOTONIA, ATAXIA, HYPOACUSIS, AND ATHETOSIS; OHAHA SYNDROME; SPINOCEREBELLAR ATAXIA, INFANTILE, WITH SENSORY NEUROPATHY. Identifiers: Orphanet 1186, MedGen C1849096, MONDO:0010060, OMIM 271245.
Sensory ataxic neuropathy, dysarthria, and ophthalmoparesis (SANDO). Also called: Epilepsy, progressive myoclonic, type 5; Sensory ataxic neuropathy-dysarthria-ophthalmoparesis syndrome; SENSORY ATAXIC NEUROPATHY WITH MITOCHONDRIAL DNA DELETIONS, AUTOSOMAL RECESSIVE; Ataxia Neuropathy Spectrum (ANS). Identifiers: Orphanet 70595, MedGen C1843851, MONDO:0011835, OMIM 607459.
Progressive external ophthalmoplegia with mitochondrial DNA deletions, autosomal dominant 3. Also called: PROGRESSIVE EXTERNAL OPHTHALMOPLEGIA, AUTOSOMAL DOMINANT 3. Identifiers: MedGen C1836439, MONDO:0012241, OMIM 609286.

Allele frequency attached by ClinVar (database versions not stated): gnomAD exomes 0.00012 and 0.00031; ExAC 0.00035; 1000 Genomes Project 30x 0.00094; 1000 Genomes Project 0.00100; gnomAD 0.00119 and 0.00126; TOPMed 0.00148; ESP Exome Variant Server 0.00200.

Submissions (8):

Labcorp Genetics (formerly Invitae), Labcorp
Classification: Likely benign. Last evaluated: 2026-01-01. Review status: criteria provided, single submitter. Criteria: Invitae Variant Classification Sherloc (09022015). Collection method: clinical testing. Allele origin: germline.

Mayo Clinic Laboratories, Mayo Clinic
Classification: Likely benign. Last evaluated: 2025-05-06. Review status: criteria provided, single submitter. Criteria: ACMG Guidelines, 2015. Collection method: clinical testing. Allele origin: germline. Observed: 4 variant alleles.
Comment: BS1, BP4

Illumina Laboratory Services, Illumina
Classification: Benign for Sensory ataxic neuropathy-dysarthria-ophthalmoparesis syndrome. Last evaluated: 2018-01-12. Review status: criteria provided, single submitter. Criteria: ICSL Variant Classification Criteria 13 December 2019. Collection method: clinical testing. Allele origin: germline.
Comment: This variant was observed in the ICSL laboratory as part of a predisposition screen in an ostensibly healthy population. It had not been previously curated by ICSL or reported in the Human Gene Mutation Database (HGMD: prior to June 1st, 2018), and was therefore a candidate for classification through an automated scoring system. Utilizing variant allele frequency, disease prevalence and penetrance estimates, and inheritance mode, an automated score was calculated to assess if this variant is too frequent to cause the disease. Based on the score and internal cut-off values, a variant classified as benign is not then subjected to further curation. The score for this variant resulted in a classification of benign for this disease.

Illumina Laboratory Services, Illumina
Classification: Benign for Progressive external ophthalmoplegia with mitochondrial DNA deletions, autosomal dominant 3. Last evaluated: 2018-01-12. Review status: criteria provided, single submitter. Criteria: ICSL Variant Classification Criteria 13 December 2019. Collection method: clinical testing. Allele origin: germline.
Comment: the same text as in the submission from Illumina Laboratory Services, Illumina above.

Illumina Laboratory Services, Illumina
Classification: Uncertain significance for Autosomal recessive cerebellar ataxia. Last evaluated: 2018-01-12. Review status: criteria provided, single submitter. Criteria: ICSL Variant Classification Criteria 13 December 2019. Collection method: clinical testing. Allele origin: germline.

Illumina Laboratory Services, Illumina
Classification: Likely benign for Infantile onset spinocerebellar ataxia. Last evaluated: 2018-01-12. Review status: criteria provided, single submitter. Criteria: ICSL Variant Classification Criteria 13 December 2019. Collection method: clinical testing. Allele origin: germline.
Comment: This variant was observed in the ICSL laboratory as part of a predisposition screen in an ostensibly healthy population. It had not been previously curated by ICSL or reported in the Human Gene Mutation Database (HGMD: prior to June 1st, 2018), and was therefore a candidate for classification through an automated scoring system. Utilizing variant allele frequency, disease prevalence and penetrance estimates, and inheritance mode, an automated score was calculated to assess if this variant is too frequent to cause the disease. Based on the score and internal cut-off values, a variant classified as likely benign is not then subjected to further curation. The score for this variant resulted in a classification of likely benign for this disease.

GeneDx
Classification: Uncertain significance. Last evaluated: 2016-06-07. Review status: criteria provided, single submitter. Criteria: GeneDx Variant Classification (06012015). Collection method: clinical testing. Allele origin: germline. Affected: yes.
Comment: The K566R variant has not been published as a pathogenic variant, nor has it been reported as a benign variant to our knowledge. The NHLBI Exome Sequencing Project and the 1000 Genomes Project Consortium reports K566R was observed 0.4%-0.8% alleles from individuals of African background. The K566R variant is a conservative amino acid substitution, which is not likely to impact secondary protein structure as these residues share similar properties. This substitution occurs at a position where amino acids with similar properties to lysine are tolerated across species. In silico analysis is inconsistent in its predictions as to whether or not the variant is damaging to the protein structure/function. In summary, based on the currently available information, it is unclear whether this variant is a pathogenic variant or a rare benign variant.

PreventionGenetics, part of Exact Sciences
Classification: Likely benign for TWNK-related condition. Last evaluated: 2021-03-03. Review status: no assertion criteria provided. Collection method: clinical testing. Allele origin: germline. Not counted in ClinVar's aggregate classification.
Comment: This variant is classified as likely benign based on ACMG/AMP sequence variant interpretation guidelines (Richards et al. 2015 PMID: 25741868, with internal and published modifications).

Literature cited by the submitters: PubMed 34023347 (cited by Mayo Clinic Laboratories, Mayo Clinic).

NM_021830.5(TWNK):c.1697A>G (p.Lys566Arg)

Gene: TWNK (twinkle mtDNA helicase; plus strand). Cytogenetic location: 10q24.31.
Variant type: single nucleotide variant.
Coding change: c.1697A>G on transcript NM_021830.5 (MANE Select); coding-DNA position 1697, A replaced by G.
Protein change: p.Lys566Arg; replaces lysine 566 with arginine.
Molecular consequence: missense variant. On other transcripts: non-coding transcript variant (5).
Genome position (GRCh38, 1-based): chr10:100,990,973, A>G. VCF-style: chr10-100990973-A-G. GRCh37 (hg19) VCF-style: chr10-102750730-A-G.
Other names: p.K566R:AAG>AGG; p.Lys566Arg; c.1697A>G, p.Lys566Arg (NM_001163812.2); c.335A>G, p.Lys112Arg (NM_001163813.2, NM_001163814.2, NM_001368275.1); short protein forms K566R, K112R.
Identifiers: ClinVar variation 214177 (VCV000214177.17), dbSNP rs116046810, ClinGen allele CA323752.